The following is an entry in ClinVar:

NM_001243133.2(NLRP3):c.2901G>C (p.Gln967His)

Gene: NLRP3 (NLR family pyrin domain containing 3; plus strand). Cytogenetic location: 1q44.
Variant type: single nucleotide variant.
Coding change: c.2901G>C on transcript NM_001243133.2 (MANE Select); coding-DNA position 2901, G replaced by C.
Protein change: p.Gln967His; replaces glutamine 967 with histidine.
Molecular consequence: missense variant.
Genome position (GRCh38, 1-based): chr1:247,444,717, G>C. VCF-style: chr1-247444717-G-C. GRCh37 (hg19) VCF-style: chr1-247608019-G-C.
Other names: c.2901G>C, p.Gln967His (NM_001079821.3); c.2730G>C, p.Gln910His (NM_001127461.3, NM_001127462.3); c.2907G>C, p.Gln969His (NM_004895.5); c.2559G>C, p.Gln853His (NM_183395.3); short protein forms Q969H, Q910H, Q853H, Q967H.
Identifiers: ClinVar variation 2044275 (VCV002044275.4), dbSNP rs1664478663, ClinGen allele CA345565621.
Genomic context (GRCh38, chr1:247,444,717, plus strand): 5'-CAACTGCAACCTCACGTCACACTGCTGCTGGGATCTTTCCACACTTCTGACCTCCAGCCA[G>C]AGCCTGCGAAAGCTGAGCCTGGGCAACAATGACCTGGGCGACCTGGGGGTCATGATGTTC-3'
Protein context (NP_001230062.1, residues 957-977): WDLSTLLTSS[Gln967His]SLRKLSLGNN

ClinVar aggregate classification (germline): Uncertain significance (1 of 4 stars; one submission).

Conditions:
Cryopyrin associated periodic syndrome (CAPS). Identifiers: Orphanet 208650, MedGen C2316212, MONDO:0016168.

Allele frequency attached by ClinVar (database versions not stated): TOPMed below 0.00001; gnomAD 0.00001.
gnomAD v4.1: 1 of 1,614,030 alleles (0.000062%); highest among the groups gnomAD compares: Non-Finnish European, 0.000085%; no homozygotes.

Submission:

Labcorp Genetics (formerly Invitae), Labcorp
Classification: Uncertain significance for Cryopyrin associated periodic syndrome. Last evaluated: 2021-12-16. Review status: criteria provided, single submitter. Criteria: Invitae Variant Classification Sherloc (09022015). Collection method: clinical testing. Allele origin: germline.
Comment: In summary, the available evidence is currently insufficient to determine the role of this variant in disease. Therefore, it has been classified as a Variant of Uncertain Significance. Algorithms developed to predict the effect of missense changes on protein structure and function (SIFT, PolyPhen-2, Align-GVGD) all suggest that this variant is likely to be tolerated. This variant has not been reported in the literature in individuals affected with NLRP3-related conditions. This variant is not present in population databases (gnomAD no frequency). This sequence change replaces glutamine, which is neutral and polar, with histidine, which is basic and polar, at codon 969 of the NLRP3 protein (p.Gln969His).